The following is an entry in ClinVar:

ClinVar aggregate classification (germline): Likely benign. Review status: criteria provided, multiple submitters, no conflicts (2 of 4 stars). 2 submissions from 2 submitters: Likely benign (2). Last evaluated 2024-04-24.

Allele frequency attached by ClinVar (database versions not stated): ExAC 0.00011; gnomAD 0.00015; 1000 Genomes Project 30x 0.00016; TOPMed 0.00019; 1000 Genomes Project 0.00020; gnomAD exomes 0.00023.
gnomAD v4.1: 354 of 1,614,032 alleles (0.022%); highest among the groups gnomAD compares: Non-Finnish European, 0.028%; no homozygotes.

Submissions (2):

Labcorp Genetics (formerly Invitae), Labcorp
Classification: Likely benign. Last evaluated: 2024-04-24. Review status: criteria provided, single submitter. Criteria: Invitae Variant Classification Sherloc (09022015). Collection method: clinical testing. Allele origin: germline.

CeGaT Center for Human Genetics Tuebingen
Classification: Likely benign. Last evaluated: 2022-12-01. Review status: criteria provided, single submitter. Criteria: CeGaT Center For Human Genetics Tuebingen Variant Classification Criteria Version 2. Collection method: clinical testing. Allele origin: germline. Affected: yes. Observed: 1 variant allele.
Comment: BRD4: BP4, BP7

NM_001379291.1(BRD4):c.585G>A (p.Thr195=)

Gene: BRD4 (bromodomain containing 4; minus strand). Cytogenetic location: 19p13.12.
Variant type: single nucleotide variant.
Coding change: c.585G>A on transcript NM_001379291.1 (MANE Select); coding-DNA position 585, G replaced by A.
Protein change: p.Thr195=; no amino-acid change (threonine 195 retained).
Molecular consequence: synonymous variant.
Genome position (GRCh38, 1-based): chr19:15,265,618, C>T on the plus strand (G>A on the coding strand, the complement: BRD4 is on the minus strand). VCF-style: chr19-15265618-C-T. GRCh37 (hg19) VCF-style: chr19-15376429-C-T.
Other names: c.585G>A, p.Thr195= (NM_001330384.2, NM_001379292.1, NM_014299.3 and 1 more transcripts).
Identifiers: ClinVar variation 2649491 (VCV002649491.27), dbSNP rs183675300, ClinGen allele CA9265592.
Genomic context (GRCh38, chr19:15,265,618, plus strand): 5'-AGGATTCGGCTGAGGGGTCTGGGTCTGCGGAGGAGTCGATGCTTGAGTTGTGTTTGGTAC[C>T]GTGGAAACGCCAGGTTTTGCTGTCCCTACAAATCATAATAAGACGGCGAGTTAGAGACCA-3'
Protein context (NP_001366220.1, residues 185-205): ETGTAKPGVS[Thr195=]VPNTTQASTP